The following is an entry in ClinVar:

NM_000548.5(TSC2):c.1362G>C (p.Arg454Ser)

Gene: TSC2 (TSC complex subunit 2; plus strand). Cytogenetic location: 16p13.3.
Variant type: single nucleotide variant.
Coding change: c.1362G>C on transcript NM_000548.5 (MANE Select); coding-DNA position 1362, G replaced by C.
Protein change: p.Arg454Ser; replaces arginine 454 with serine.
Molecular consequence: missense variant.
Genome position (GRCh38, 1-based): chr16:2,062,972, G>C. VCF-style: chr16-2062972-G-C. GRCh37 (hg19) VCF-style: chr16-2112973-G-C.
Other names: c.1362G>C, p.Arg454Ser (NM_001077183.3, NM_001114382.3, NM_001363528.2 and 3 more transcripts); c.1251G>C, p.Arg417Ser (NM_001318827.2); c.1215G>C, p.Arg405Ser (NM_001318829.2); c.762G>C, p.Arg254Ser (NM_001318831.2); c.1395G>C, p.Arg465Ser (NM_001318832.2); c.1362G>C (NM_000548.4); short protein forms R454S, R254S, R417S, R405S, R465S.
Identifiers: ClinVar variation 406041 (VCV000406041.28), dbSNP rs374252944, ClinGen allele CA029692.

ClinVar aggregate classification (germline): Conflicting classifications of pathogenicity. Review status: criteria provided, conflicting classifications (1 of 4 stars). 7 submissions from 7 submitters: Uncertain significance (1); Likely benign (6). Last evaluated 2026-01-20.

Conditions:
Hereditary cancer-predisposing syndrome. Also called: Neoplastic Syndromes, Hereditary; Hereditary neoplastic syndrome; Tumor predisposition; Hereditary Cancer Syndrome. Identifiers: Orphanet 140162, MedGen C0027672, MeSH D009386, MONDO:0015356.
TSC2-related disorder. Also called: TSC2-related condition; TSC2-Related Disorders.
Tuberous sclerosis syndrome (TSC). Also called: Tuberous Sclerosis Complex; Tuberous sclerosis. Identifiers: Orphanet 805, MedGen C0041341, MONDO:0001734.
Tuberous sclerosis 2 (TSC2). Identifiers: Orphanet 805, MedGen C1860707, MONDO:0013199, OMIM 613254.

Allele frequency attached by ClinVar (database versions not stated): TOPMed 0.00003; ExAC 0.00010; ESP Exome Variant Server 0.00018.
gnomAD v4.1: 31 of 1,550,412 alleles (0.002%); highest among the groups gnomAD compares: African/African-American, 0.0027%; no homozygotes.

Submissions (7):

Labcorp Genetics (formerly Invitae), Labcorp
Classification: Likely benign for Tuberous sclerosis 2. Last evaluated: 2026-01-20. Review status: criteria provided, single submitter. Criteria: Invitae Variant Classification Sherloc (09022015). Collection method: clinical testing. Allele origin: germline.

CeGaT Center for Human Genetics Tuebingen
Classification: Likely benign. Last evaluated: 2025-12-01. Review status: criteria provided, single submitter. Criteria: CeGaT Center For Human Genetics Tuebingen Variant Classification Criteria Version 2. Collection method: clinical testing. Allele origin: germline. Affected: yes. Observed: 1 variant allele.
Comment: TSC2: BP4

PreventionGenetics, part of Exact Sciences
Classification: Likely benign for TSC2-related condition. Last evaluated: 2025-03-19. Review status: criteria provided, single submitter. Criteria: ACMG Guidelines, 2015. Collection method: clinical testing. Allele origin: germline.
Comment: This variant is classified as likely benign based on ACMG/AMP sequence variant interpretation guidelines (Richards et al. 2015 PMID: 25741868, with internal and published modifications).

All of Us Research Program, National Institutes of Health
Classification: Uncertain significance for Tuberous sclerosis syndrome. Last evaluated: 2023-11-02. Review status: criteria provided, single submitter. Criteria: ACMG Guidelines, 2015. Collection method: clinical testing. Allele origin: germline. Inheritance: Autosomal dominant inheritance. Observed: 4 variant alleles, 4 heterozygotes.
Comment: This missense variant replaces arginine with serine at codon 454 of the TSC2 protein. Computational prediction suggests that this variant may not impact protein structure and function (internally defined REVEL score threshold <= 0.5, PMID: 27666373). Splice site prediction tools suggest that this variant may impact RNA splicing. To our knowledge, functional studies have not been reported for this variant. This variant has not been reported in individuals affected with TSC2-related disorders in the literature. This variant has been identified in 2/155160 chromosomes in the general population by the Genome Aggregation Database (gnomAD). The available evidence is insufficient to determine the role of this variant in disease conclusively. Therefore, this variant is classified as a Variant of Uncertain Significance.

This study involves interpretation of variants in research participants for the purpose of population health screening. Participant phenotype was not available at the time of variant classification. Additional details can be found in publication PMID: 35346344, PMCID: PMC8962531

Genome-Nilou Lab
Classification: Likely benign for Tuberous sclerosis 2. Last evaluated: 2021-11-07. Review status: criteria provided, single submitter. Criteria: ACMG Guidelines, 2015. Collection method: clinical testing. Allele origin: germline. Affected: no.

Ambry Genetics
Classification: Likely benign for Hereditary cancer-predisposing syndrome. Last evaluated: 2021-05-21. Review status: criteria provided, single submitter. Criteria: Ambry Variant Classification Scheme 2023. Collection method: clinical testing. Allele origin: germline.

GeneDx
Classification: Likely benign. Last evaluated: 2020-09-08. Review status: criteria provided, single submitter. Criteria: GeneDx Variant Classification Process June 2021. Collection method: clinical testing. Allele origin: germline. Affected: yes.